The following is an entry in ClinVar:

ClinVar aggregate classification (germline): Uncertain significance (1 of 4 stars; one submission).

gnomAD v4.1: 1 of 1,081,232 alleles (0.000092%); highest among the groups gnomAD compares: South Asian, 0.0026%; no homozygotes.

Submission:

Labcorp Genetics (formerly Invitae), Labcorp
Classification: Uncertain significance. Last evaluated: 2022-08-08. Review status: criteria provided, single submitter. Criteria: Invitae Variant Classification Sherloc (09022015). Collection method: clinical testing. Allele origin: germline.
Comment: In summary, the available evidence is currently insufficient to determine the role of this variant in disease. Therefore, it has been classified as a Variant of Uncertain Significance. Algorithms developed to predict the effect of missense changes on protein structure and function are either unavailable or do not agree on the potential impact of this missense change (SIFT: "Deleterious"; PolyPhen-2: "Probably Damaging"; Align-GVGD: "Class C0"). This variant has not been reported in the literature in individuals affected with HSPG2-related conditions. This variant is not present in population databases (gnomAD no frequency). This sequence change replaces glycine, which is neutral and non-polar, with valine, which is neutral and non-polar, at codon 7 of the HSPG2 protein (p.Gly7Val).

NM_005529.7(HSPG2):c.20G>T (p.Gly7Val)

Gene: HSPG2 (heparan sulfate proteoglycan 2; minus strand). Cytogenetic location: 1p36.12.
Variant type: single nucleotide variant.
Coding change: c.20G>T on transcript NM_005529.7 (MANE Select); coding-DNA position 20, G replaced by T.
Protein change: p.Gly7Val; replaces glycine 7 with valine.
Molecular consequence: missense variant.
Genome position (GRCh38, 1-based): chr1:21,937,198, C>A on the plus strand (G>T on the coding strand, the complement: HSPG2 is on the minus strand). VCF-style: chr1-21937198-C-A. GRCh37 (hg19) VCF-style: chr1-22263691-C-A.
Other names: c.20G>T, p.Gly7Val (NM_001291860.2); short protein forms G7V.
Identifiers: ClinVar variation 2087082 (VCV002087082.4), dbSNP rs2152809591, ClinGen allele CA338910042.
Genomic context (GRCh38, chr1:21,937,198, plus strand): 5'-CTGCCCCGCACACTCACCGCCAGCAGCCGCCCGTGCAGCAGCAGCGCCAGCAGCAGCGCG[C>A]CCGCCGCCCGCCACCCCATGGCCCGGCCCGCGCCGCTCTCTCGCTCGCTCGCTCCGCGCC-3'
Protein context (NP_005520.4, residues 1-17): MGWRAA[Gly7Val]ALLLALLLHG